The following is an entry in ClinVar:

NM_032578.4(MYPN):c.3660-208G>C

Gene: MYPN (myopalladin; plus strand). Cytogenetic location: 10q21.3.
Variant type: single nucleotide variant.
Coding change: c.3660-208G>C on transcript NM_032578.4 (MANE Select); 208 bases into the intron before coding-DNA position 3660, G replaced by C.
Molecular consequence: intron variant.
Genome position (GRCh38, 1-based): chr10:68,206,562, G>C. VCF-style: chr10-68206562-G-C. GRCh37 (hg19) VCF-style: chr10-69966319-G-C.
Other names: c.3660-208G>C (NM_001256267.2); c.2778-208G>C (NM_001256268.2).
Identifiers: ClinVar variation 675646 (VCV000675646.2), dbSNP rs71535773, ClinGen allele CA208191898.

ClinVar aggregate classification (germline): Likely benign. Review status: criteria provided, multiple submitters, no conflicts (2 of 4 stars). 2 submissions from 2 submitters: Likely benign (2). Last evaluated 2018-06-14.

Allele frequency attached by ClinVar (database versions not stated): 1000 Genomes Project 0.00919; 1000 Genomes Project 30x 0.01015; gnomAD 0.01159 and 0.01197; TOPMed 0.01173.
gnomAD v4.1: 1,822 of 152,190 alleles (1.2%); highest among the groups gnomAD compares: Middle Eastern, 5.4%; 23 homozygotes.

Submissions (2):

GeneDx
Classification: Likely benign. Last evaluated: 2018-06-14. Review status: criteria provided, single submitter. Criteria: GeneDx Variant Classification (06012015). Collection method: clinical testing. Allele origin: germline. Affected: yes.
Comment: This variant is considered likely benign or benign based on one or more of the following criteria: it is a conservative change, it occurs at a poorly conserved position in the protein, it is predicted to be benign by multiple in silico algorithms, and/or has population frequency not consistent with disease.

Breakthrough Genomics
Classification: Likely benign. Review status: criteria provided, single submitter. Criteria: ACMG Guidelines, 2015. Collection method: not provided. Allele origin: germline. Inheritance: Autosomal recessive inheritance. Affected: yes.